The following is an entry in ClinVar:

ClinVar aggregate classification (germline): Uncertain significance (1 of 4 stars; one submission).

Allele frequency attached by ClinVar (database versions not stated): gnomAD exomes below 0.00001; TOPMed below 0.00001.

Submission:

Labcorp Genetics (formerly Invitae), Labcorp
Classification: Uncertain significance. Last evaluated: 2022-02-20. Review status: criteria provided, single submitter. Criteria: Invitae Variant Classification Sherloc (09022015). Collection method: clinical testing. Allele origin: germline.
Comment: In summary, the available evidence is currently insufficient to determine the role of this variant in disease. Therefore, it has been classified as a Variant of Uncertain Significance. Algorithms developed to predict the effect of missense changes on protein structure and function are either unavailable or do not agree on the potential impact of this missense change (SIFT: "Deleterious"; PolyPhen-2: "Probably Damaging"; Align-GVGD: "Class C0"). This variant has not been reported in the literature in individuals affected with TET2-related conditions. This variant is present in population databases (no rsID available, gnomAD 0.003%). This sequence change replaces arginine, which is basic and polar, with cysteine, which is neutral and slightly polar, at codon 96 of the TET2 protein (p.Arg96Cys).

NM_001127208.3(TET2):c.286C>T (p.Arg96Cys)

Genes: TET2 (tet methylcytosine dioxygenase 2; plus strand), TET2-AS1 (TET2 antisense RNA 1; minus strand). Cytogenetic location: 4q24.
Variant type: single nucleotide variant.
Coding change: c.286C>T on transcript NM_001127208.3 (MANE Select); coding-DNA position 286, C replaced by T.
Protein change: p.Arg96Cys; replaces arginine 96 with cysteine.
Molecular consequence: missense variant.
Genome position (GRCh38, 1-based): chr4:105,234,228, C>T. VCF-style: chr4-105234228-C-T. GRCh37 (hg19) VCF-style: chr4-106155385-C-T.
Other names: c.286C>T, p.Arg96Cys (NM_017628.4); short protein forms R96C.
Identifiers: ClinVar variation 1940758 (VCV001940758.5), dbSNP rs1187881284, ClinGen allele CA357791126.
Genomic context (GRCh38, chr4:105,234,228, plus strand): 5'-CCTGACTTTACACAAGAAAGTAGAGGGTATTCCAAGTGTTTGCAAAATGGAGGAATAAAA[C>T]GCACAGTTAGTGAACCTTCTCTCTCTGGGCTCCTTCAGATCAAGAAATTGAAACAAGACC-3'
Protein context (NP_001120680.1, residues 86-106): SKCLQNGGIK[Arg96Cys]TVSEPSLSGL